The following is an entry in ClinVar:

NM_004714.3(DYRK1B):c.462T>A (p.Ile154=)

Gene: DYRK1B (dual specificity tyrosine phosphorylation regulated kinase 1B; minus strand). Cytogenetic location: 19q13.2.
Variant type: single nucleotide variant.
Coding change: c.462T>A on transcript NM_004714.3 (MANE Select); coding-DNA position 462, T replaced by A.
Protein change: p.Ile154=; no amino-acid change (isoleucine 154 retained).
Molecular consequence: synonymous variant.
Genome position (GRCh38, 1-based): chr19:39,829,938, A>T on the plus strand (T>A on the coding strand, the complement: DYRK1B is on the minus strand). VCF-style: chr19-39829938-A-T. GRCh37 (hg19) VCF-style: chr19-40320578-A-T.
Other names: c.462T>A, p.Ile154= (NM_006483.3, NM_006484.3).
Identifiers: ClinVar variation 4996972 (VCV004996972.1).

ClinVar aggregate classification (germline): Likely benign (1 of 4 stars; one submission).

Conditions:
DYRK1B-related disorder. Also called: DYRK1B-related condition.

Submission:

PreventionGenetics, part of Exact Sciences
Classification: Likely benign for DYRK1B-related condition. Last evaluated: 2026-03-02. Review status: criteria provided, single submitter. Criteria: ACMG Guidelines, 2015. Collection method: clinical testing. Allele origin: germline.
Comment: This variant is classified as likely benign based on ACMG/AMP sequence variant interpretation guidelines (Richards et al. 2015 PMID: 25741868, with internal and published modifications).